The following is an entry in ClinVar:

NM_001376.5(DYNC1H1):c.926G>A (p.Arg309His)

Gene: DYNC1H1 (dynein cytoplasmic 1 heavy chain 1; plus strand). Cytogenetic location: 14q32.31.
Variant type: single nucleotide variant.
Coding change: c.926G>A on transcript NM_001376.5 (MANE Select); coding-DNA position 926, G replaced by A.
Protein change: p.Arg309His; replaces arginine 309 with histidine.
Molecular consequence: missense variant.
Genome position (GRCh38, 1-based): chr14:101,980,515, G>A. VCF-style: chr14-101980515-G-A. GRCh37 (hg19) VCF-style: chr14-102446852-G-A.
Other names: short protein forms R309H.
Identifiers: ClinVar variation 209107 (VCV000209107.9), dbSNP rs797045177, ClinGen allele CA204992.

ClinVar aggregate classification (germline): Pathogenic/Likely pathogenic. Review status: criteria provided, multiple submitters, no conflicts (2 of 4 stars). 4 submissions from 3 submitters: Pathogenic (1); Likely pathogenic (1). 2 of the submissions do not count toward it. Last evaluated 2023-08-24.

Conditions:
Charcot-Marie-Tooth disease axonal type 2O. Also called: CHARCOT-MARIE-TOOTH NEUROPATHY, AXONAL, TYPE 2O; CHARCOT-MARIE-TOOTH DISEASE, AXONAL, AUTOSOMAL DOMINANT, TYPE 2O; Charcot-Marie-Tooth Neuropathy Type 2O; Charcot-Marie-Tooth disease, axonal, type 20. Identifiers: Orphanet 284232, MedGen C3280220, MONDO:0013644, OMIM 614228.
Lissencephaly. Also called: Lissencephaly spectrum disorders. Identifiers: Orphanet 48471, MedGen C0266463, MeSH D054082, MONDO:0018838, HP:0001339.
Cortical dysplasia, complex, with other brain malformations 13. Also called: Intellectual disability, autosomal dominant 13. Identifiers: MedGen C3281202, MONDO:0013805, OMIM 614563.

Submissions (4):

Labcorp Genetics (formerly Invitae), Labcorp
Classification: Pathogenic for Charcot-Marie-Tooth disease axonal type 2O. Last evaluated: 2023-08-24. Review status: criteria provided, single submitter. Criteria: Invitae Variant Classification Sherloc (09022015). Collection method: clinical testing. Allele origin: germline.
Comment: This missense change has been observed in individual(s) with DYNC1H1-related conditions (PMID: 29671837). In at least one individual the variant was observed to be de novo. ClinVar contains an entry for this variant (Variation ID: 209107). Advanced modeling of protein sequence and biophysical properties (such as structural, functional, and spatial information, amino acid conservation, physicochemical variation, residue mobility, and thermodynamic stability) performed at Invitae indicates that this missense variant is expected to disrupt DYNC1H1 protein function. For these reasons, this variant has been classified as Pathogenic. This sequence change replaces arginine, which is basic and polar, with histidine, which is basic and polar, at codon 309 of the DYNC1H1 protein (p.Arg309His). This variant is not present in population databases (gnomAD no frequency).

GeneDx
Classification: Likely pathogenic. Last evaluated: 2016-02-09. Review status: criteria provided, single submitter. Criteria: GeneDx Variant Classification (06012015). Collection method: clinical testing. Allele origin: germline. Affected: yes.
Comment: The R309H variant has been previously reported as a de novo potentially causal germline variant in an individual with brain malformations on MRI, including posterior-predominant pachygyria, corpus callosum abnormalities, small anterior vermis and short pons (Jamuar et al., 2014). R309H was not observed in approximately 6,500 individuals of European and African American ancestry in the NHLBI Exome Sequencing Project, indicating it is not a common benign variant in these populations. This substitution occurs at a position that is conserved across species, and in silico analysis predicts this variant is probably damaging to the protein structure/function. However, the R309H variant is a conservative amino acid substitution, which is not likely to impact secondary protein structure as these residues share similar properties. Based on the currently available information, GeneDx interprets R309H as a likely pathogenic variant; however, the possibility that it is benign cannot be excluded.

University of Washington Center for Mendelian Genomics, University of Washington
Classification: Pathogenic for Mental retardation, autosomal dominant 13. Last evaluated: 2015-05-19. Review status: no assertion criteria provided. Collection method: research. Allele origin: de novo. Affected: yes. Observed: 1 variant allele. Not counted in ClinVar's aggregate classification.

University of Washington Center for Mendelian Genomics, University of Washington
Classification: Likely pathogenic for lissencephaly. Review status: no assertion criteria provided. Collection method: research. Allele origin: de novo. Affected: yes. Not counted in ClinVar's aggregate classification.

Literature cited by the submitters: PubMed 29671837 (cited by Labcorp Genetics (formerly Invitae), Labcorp and University of Washington Center for Mendelian Genomics, University of Washington); PubMed 25140959 (cited by University of Washington Center for Mendelian Genomics, University of Washington).